The following is an entry in ClinVar:

ClinVar aggregate classification (germline): Uncertain significance. Review status: criteria provided, multiple submitters, no conflicts (2 of 4 stars). 2 submissions from 2 submitters: Uncertain significance (2). Last evaluated 2024-10-24.

Conditions:
Inborn genetic diseases. Identifiers: MedGen C0950123, MeSH D030342.

gnomAD v4.1: 51 of 1,601,016 alleles (0.0032%); highest among the groups gnomAD compares: Non-Finnish European, 0.0042%; no homozygotes.

Submissions (2):

Labcorp Genetics (formerly Invitae), Labcorp
Classification: Uncertain significance. Last evaluated: 2024-10-24. Review status: criteria provided, single submitter. Criteria: Invitae Variant Classification Sherloc (09022015). Collection method: clinical testing. Allele origin: germline.
Comment: This sequence change replaces glycine, which is neutral and non-polar, with alanine, which is neutral and non-polar, at codon 45 of the ZIC1 protein (p.Gly45Ala). This variant is present in population databases (rs764013113, gnomAD 0.003%). This variant has not been reported in the literature in individuals affected with ZIC1-related conditions. An algorithm developed to predict the effect of missense changes on protein structure and function (PolyPhen-2) suggests that this variant is likely to be tolerated. In summary, the available evidence is currently insufficient to determine the role of this variant in disease. Therefore, it has been classified as a Variant of Uncertain Significance.

Ambry Genetics
Classification: Uncertain significance for Inborn genetic diseases. Last evaluated: 2024-09-10. Review status: criteria provided, single submitter. Criteria: Ambry Variant Classification Scheme 2023. Collection method: clinical testing. Allele origin: germline.

NM_003412.4(ZIC1):c.134G>C (p.Gly45Ala)

Gene: ZIC1 (Zic family zinc finger 1; plus strand). Cytogenetic location: 3q24.
Variant type: single nucleotide variant.
Coding change: c.134G>C on transcript NM_003412.4 (MANE Select); coding-DNA position 134, G replaced by C.
Protein change: p.Gly45Ala; replaces glycine 45 with alanine.
Molecular consequence: missense variant.
Genome position (GRCh38, 1-based): chr3:147,410,246, G>C. VCF-style: chr3-147410246-G-C. GRCh37 (hg19) VCF-style: chr3-147128033-G-C.
Other names: short protein forms G45A.
Identifiers: ClinVar variation 3473818 (VCV003473818.3).